The following is an entry in ClinVar:

ClinVar aggregate classification (germline): Pathogenic (1 of 4 stars; one submission).

Conditions:
Hereditary hyperekplexia. Identifiers: Orphanet 3197, MedGen C4084968, MONDO:0021022.

Submission:

Labcorp Genetics (formerly Invitae), Labcorp
Classification: Pathogenic for Hereditary hyperekplexia. Last evaluated: 2022-08-23. Review status: criteria provided, single submitter. Criteria: Invitae Variant Classification Sherloc (09022015). Collection method: clinical testing. Allele origin: germline.
Comment: For these reasons, this variant has been classified as Pathogenic. A similar copy number variant has been observed in individual(s) with autosomal recessive hyperekplexia (PMID: 16941485). This variant is a gross deletion of the genomic region encompassing exon(s) 1-7 of the GLRA1 gene, which includes the initiator codon. This deletion extends beyond the assayed region for this gene and therefore may encompass additional genes. It is expected to result in an absent or disrupted protein product. Loss-of-function variants in GLRA1 are known to be pathogenic (PMID: 20631190, 24108130).

Literature cited by the submitters: PubMed 16941485; PubMed 20631190; PubMed 24108130.

NC_000005.9:g.(?_151230931)_(151304110_?)del

Gene: GLRA1 (glycine receptor alpha 1; minus strand). Cytogenetic location: 5q33.1.
Variant type: Deletion.
Identifiers: ClinVar variation 2422534 (VCV002422534.4).